The following is an entry in ClinVar:

NM_138817.3(SLC7A13):c.479A>G (p.Gln160Arg)

Gene: SLC7A13 (solute carrier family 7 member 13; minus strand). Cytogenetic location: 8q21.3.
Variant type: single nucleotide variant.
Coding change: c.479A>G on transcript NM_138817.3 (MANE Select); coding-DNA position 479, A replaced by G.
Protein change: p.Gln160Arg; replaces glutamine 160 with arginine.
Molecular consequence: missense variant.
Genome position (GRCh38, 1-based): chr8:86,229,799, T>C on the plus strand (A>G on the coding strand, the complement: SLC7A13 is on the minus strand). VCF-style: chr8-86229799-T-C. GRCh37 (hg19) VCF-style: chr8-87242028-T-C.
Other names: c.479A>G (NM_138817.2); short protein forms Q160R.
Identifiers: ClinVar variation 1430908 (VCV001430908.9), dbSNP rs762350458, ClinGen allele CA4797819.
Genomic context (GRCh38, chr8:86,229,799, plus strand): 5'-ACTACTCCAGTTAGGGAAATGAAGCTAAGTATGGACACTTTCAGCACTGAGCTAGCTATC[T>C]GAAGCCAAGTCACTTCTTTCACACCACGAGAAGTCAGAATTCCTACAATCCACAACATGG-3'
Protein context (NP_620172.2, residues 150-170): SRGVKEVTWL[Gln160Arg]IASSVLKVSI

ClinVar aggregate classification (germline): Uncertain significance. Review status: criteria provided, multiple submitters, no conflicts (2 of 4 stars). 2 submissions from 2 submitters: Uncertain significance (2). Last evaluated 2022-11-22.

Allele frequency attached by ClinVar (database versions not stated): gnomAD 0.00002; gnomAD exomes 0.00006 and 0.00010; ExAC 0.00009.
gnomAD v4.1: 89 of 1,614,104 alleles (0.0055%); highest among the groups gnomAD compares: South Asian, 0.097%; 1 homozygote.

Submissions (2):

Ambry Genetics
Classification: Uncertain significance. Last evaluated: 2022-11-22. Review status: criteria provided, single submitter. Criteria: Ambry Variant Classification Scheme 2023. Collection method: clinical testing. Allele origin: germline.

Labcorp Genetics (formerly Invitae), Labcorp
Classification: Uncertain significance. Last evaluated: 2021-08-19. Review status: criteria provided, single submitter. Criteria: Invitae Variant Classification Sherloc (09022015). Collection method: clinical testing. Allele origin: germline.
Comment: This sequence change replaces glutamine with arginine at codon 160 of the SLC7A13 protein (p.Gln160Arg). The glutamine residue is highly conserved and there is a small physicochemical difference between glutamine and arginine. This variant is present in population databases (rs762350458, ExAC 0.07%). This variant has not been reported in the literature in individuals affected with SLC7A13-related conditions. Algorithms developed to predict the effect of missense changes on protein structure and function are either unavailable or do not agree on the potential impact of this missense change (SIFT: "Deleterious"; PolyPhen-2: "Probably Damaging"; Align-GVGD: "Class C0"). In summary, the available evidence is currently insufficient to determine the role of this variant in disease. Therefore, it has been classified as a Variant of Uncertain Significance.